The following is an entry in ClinVar:

NM_001854.4(COL11A1):c.*1091A>T

Gene: COL11A1 (collagen type XI alpha 1 chain; minus strand). Cytogenetic location: 1p21.1.
Variant type: single nucleotide variant.
Coding change: c.*1091A>T on transcript NM_001854.4 (MANE Select); 1091 bases downstream of the stop codon, A replaced by T.
Molecular consequence: 3 prime UTR variant. On other transcripts: non-coding transcript variant (1).
Genome position (GRCh38, 1-based): chr1:102,876,928, T>A on the plus strand (A>T on the coding strand, the complement: COL11A1 is on the minus strand). VCF-style: chr1-102876928-T-A. GRCh37 (hg19) VCF-style: chr1-103342484-T-A.
Other names: c.*1091A>T (NM_001190709.2, NM_080629.3, NM_080630.4).
Identifiers: ClinVar variation 291479 (VCV000291479.5), dbSNP rs41292523, ClinGen allele CA10607214.

ClinVar aggregate classification (germline): Likely benign. Review status: criteria provided, single submitter (1 of 4 stars). 2 submissions from 1 submitter: Likely benign (2). Last evaluated 2018-01-13.

Conditions:
Stickler syndrome type 2 (STL2). Also called: STICKLER SYNDROME, TYPE II; STICKLER SYNDROME, BEADED VITREOUS TYPE; STICKLER SYNDROME, VITREOUS TYPE 2; COL11A1-Related Stickler Syndrome. Identifiers: Orphanet 828, Orphanet 90654, MedGen C1858084, MONDO:0011493, OMIM 604841.
Fibrochondrogenesis 1 (FBCG1). Identifiers: Orphanet 2021, MedGen C3278138, MONDO:0009226, OMIM 228520.

Allele frequency attached by ClinVar (database versions not stated): 1000 Genomes Project 0.00060; 1000 Genomes Project 30x 0.00125; TOPMed 0.00148; gnomAD 0.00184 and 0.00185; gnomAD exomes 0.00272.
gnomAD v4.1: 277 of 152,548 alleles (0.18%); highest among the groups gnomAD compares: Non-Finnish European, 0.28%; 1 homozygote.

Submissions (2):

Illumina Laboratory Services, Illumina
Classification: Likely benign for Fibrochondrogenesis 1. Last evaluated: 2018-01-13. Review status: criteria provided, single submitter. Criteria: ICSL Variant Classification Criteria 13 December 2019. Collection method: clinical testing. Allele origin: germline.
Comment: This variant was observed in the ICSL laboratory as part of a predisposition screen in an ostensibly healthy population. It had not been previously curated by ICSL or reported in the Human Gene Mutation Database (HGMD: prior to June 1st, 2018), and was therefore a candidate for classification through an automated scoring system. Utilizing variant allele frequency, disease prevalence and penetrance estimates, and inheritance mode, an automated score was calculated to assess if this variant is too frequent to cause the disease. Based on the score and internal cut-off values, a variant classified as likely benign is not then subjected to further curation. The score for this variant resulted in a classification of likely benign for this disease.

Illumina Laboratory Services, Illumina
Classification: Likely benign for Stickler syndrome type 2. Last evaluated: 2018-01-13. Review status: criteria provided, single submitter. Criteria: ICSL Variant Classification Criteria 13 December 2019. Collection method: clinical testing. Allele origin: germline.
Comment: the same text as in the submission from Illumina Laboratory Services, Illumina above.